The following is an entry in ClinVar:

NM_006245.4(PPP2R5D):c.197C>A (p.Pro66His)

Gene: PPP2R5D (protein phosphatase 2 regulatory subunit B'delta; plus strand). Cytogenetic location: 6p21.1.
Variant type: single nucleotide variant.
Coding change: c.197C>A on transcript NM_006245.4 (MANE Select); coding-DNA position 197, C replaced by A.
Protein change: p.Pro66His; replaces proline 66 with histidine.
Molecular consequence: missense variant. On other transcripts: 5 prime UTR variant (1), intron variant (1).
Genome position (GRCh38, 1-based): chr6:43,006,554, C>A. VCF-style: chr6-43006554-C-A. GRCh37 (hg19) VCF-style: chr6-42974292-C-A.
Other names: c.197C>A (NM_006245.3); c.-257C>A (NM_001270476.2); c.197C>A, p.Pro66His (NM_180976.3); c.28-380C>A (NM_180977.3); short protein forms P66H.
Identifiers: ClinVar variation 2133715 (VCV002133715.5), dbSNP rs2532471802, ClinGen allele CA364179666.

ClinVar aggregate classification (germline): Uncertain significance. Review status: criteria provided, multiple submitters, no conflicts (2 of 4 stars). 2 submissions from 2 submitters: Uncertain significance (2). Last evaluated 2023-06-27.

Submissions (2):

GeneDx
Classification: Uncertain significance. Last evaluated: 2023-06-27. Review status: criteria provided, single submitter. Criteria: GeneDx Variant Classification Process June 2021. Collection method: clinical testing. Allele origin: germline. Affected: yes.
Comment: Not observed at significant frequency in large population cohorts (gnomAD); In silico analysis supports that this missense variant has a deleterious effect on protein structure/function; Has not been previously published as pathogenic or benign to our knowledge

Labcorp Genetics (formerly Invitae), Labcorp
Classification: Uncertain significance. Last evaluated: 2022-07-17. Review status: criteria provided, single submitter. Criteria: Invitae Variant Classification Sherloc (09022015). Collection method: clinical testing. Allele origin: germline.
Comment: In summary, the available evidence is currently insufficient to determine the role of this variant in disease. Therefore, it has been classified as a Variant of Uncertain Significance. Algorithms developed to predict the effect of sequence changes on RNA splicing suggest that this variant may disrupt the consensus splice site. Algorithms developed to predict the effect of missense changes on protein structure and function are either unavailable or do not agree on the potential impact of this missense change (SIFT: "Tolerated"; PolyPhen-2: "Possibly Damaging"; Align-GVGD: "Class C0"). This variant has not been reported in the literature in individuals affected with PPP2R5D-related conditions. This variant is not present in population databases (gnomAD no frequency). This sequence change replaces proline, which is neutral and non-polar, with histidine, which is basic and polar, at codon 66 of the PPP2R5D protein (p.Pro66His).